The following is an entry in ClinVar:

NM_006929.5(SKIC2):c.2441G>C (p.Trp814Ser)

Gene: SKIC2 (SKI2 subunit of superkiller complex; plus strand). Cytogenetic location: 6p21.33.
Variant type: single nucleotide variant.
Coding change: c.2441G>C on transcript NM_006929.5 (MANE Select); coding-DNA position 2441, G replaced by C.
Protein change: p.Trp814Ser; replaces tryptophan 814 with serine.
Molecular consequence: missense variant.
Genome position (GRCh38, 1-based): chr6:31,967,104, G>C. VCF-style: chr6-31967104-G-C. GRCh37 (hg19) VCF-style: chr6-31934881-G-C.
Other names: short protein forms W814S.
Identifiers: ClinVar variation 1399791 (VCV001399791.5), dbSNP rs573416738, ClinGen allele CA363473392.

ClinVar aggregate classification (germline): Uncertain significance (1 of 4 stars; one submission).

gnomAD v4.1: 14 of 1,612,386 alleles (0.00087%); highest among the groups gnomAD compares: Admixed American, 0.0033%; no homozygotes.

Submission:

Labcorp Genetics (formerly Invitae), Labcorp
Classification: Uncertain significance. Last evaluated: 2024-11-11. Review status: criteria provided, single submitter. Criteria: Invitae Variant Classification Sherloc (09022015). Collection method: clinical testing. Allele origin: germline.
Comment: This sequence change replaces tryptophan, which is neutral and slightly polar, with serine, which is neutral and polar, at codon 814 of the SKIV2L protein (p.Trp814Ser). This variant is present in population databases (no rsID available, gnomAD 0.003%). This variant has not been reported in the literature in individuals affected with SKIV2L-related conditions. ClinVar contains an entry for this variant (Variation ID: 1399791). An algorithm developed to predict the effect of missense changes on protein structure and function (PolyPhen-2) suggests that this variant is likely to be tolerated. In summary, the available evidence is currently insufficient to determine the role of this variant in disease. Therefore, it has been classified as a Variant of Uncertain Significance.